The following is an entry in ClinVar:

ClinVar aggregate classification (germline): Uncertain significance (1 of 4 stars; one submission).

Submission:

Labcorp Genetics (formerly Invitae), Labcorp
Classification: Uncertain significance. Last evaluated: 2025-07-21. Review status: criteria provided, single submitter. Criteria: Invitae Variant Classification Sherloc (09022015). Collection method: clinical testing. Allele origin: germline.
Comment: This sequence change replaces methionine, which is neutral and non-polar, with threonine, which is neutral and polar, at codon 186 of the POLE2 protein (p.Met186Thr). This variant is not present in population databases (gnomAD no frequency). This variant has not been reported in the literature in individuals affected with POLE2-related conditions. An algorithm developed to predict the effect of missense changes on protein structure and function (PolyPhen-2) suggests that this variant is likely to be disruptive. In summary, the available evidence is currently insufficient to determine the role of this variant in disease. Therefore, it has been classified as a Variant of Uncertain Significance.

NM_002692.4(POLE2):c.557T>C (p.Met186Thr)

Gene: POLE2 (DNA polymerase epsilon 2, accessory subunit; minus strand). Cytogenetic location: 14q21.3.
Variant type: single nucleotide variant.
Coding change: c.557T>C on transcript NM_002692.4 (MANE Select); coding-DNA position 557, T replaced by C.
Protein change: p.Met186Thr; replaces methionine 186 with threonine.
Molecular consequence: missense variant.
Genome position (GRCh38, 1-based): chr14:49,666,349, A>G on the plus strand (T>C on the coding strand, the complement: POLE2 is on the minus strand). VCF-style: chr14-49666349-A-G. GRCh37 (hg19) VCF-style: chr14-50133067-A-G.
Other names: c.479T>C, p.Met160Thr (NM_001197330.2); c.557T>C, p.Met186Thr (NM_001197331.3, NM_001348384.2); c.326T>C, p.Met109Thr (NM_001348385.2); short protein forms M186T, M160T, M109T.
Identifiers: ClinVar variation 4768931 (VCV004768931.1).